The following is an entry in ClinVar:

NM_025132.4(WDR19):c.1734T>A (p.Asp578Glu)

Gene: WDR19 (WD repeat domain 19; plus strand). Cytogenetic location: 4p14.
Variant type: single nucleotide variant.
Coding change: c.1734T>A on transcript NM_025132.4 (MANE Select); coding-DNA position 1734, T replaced by A.
Protein change: p.Asp578Glu; replaces aspartic acid 578 with glutamic acid.
Molecular consequence: missense variant.
Genome position (GRCh38, 1-based): chr4:39,228,314, T>A. VCF-style: chr4-39228314-T-A. GRCh37 (hg19) VCF-style: chr4-39229934-T-A.
Other names: c.1254T>A, p.Asp418Glu (NM_001317924.2); short protein forms D578E, D418E.
Identifiers: ClinVar variation 851650 (VCV000851650.8), dbSNP rs571678102, ClinGen allele CA2891913.

ClinVar aggregate classification (germline): Uncertain significance. Review status: criteria provided, multiple submitters, no conflicts (2 of 4 stars). 2 submissions from 2 submitters: Uncertain significance (2). Last evaluated 2024-12-02.

Conditions:
Asphyxiating thoracic dystrophy 5 (SRTD5). Also called: SHORT-RIB THORACIC DYSPLASIA 5 WITH OR WITHOUT POLYDACTYLY; SHORT-RIB THORACIC DYSPLASIA 5 WITHOUT POLYDACTYLY. Identifiers: Orphanet 474, MedGen C3280598, MONDO:0013717, OMIM 614376.
Nephronophthisis 13 (NPHP13). Identifiers: Orphanet 655, MedGen C3280612, MONDO:0013718, OMIM 614377.
Cranioectodermal dysplasia 4 (CED4). Identifiers: Orphanet 1515, MedGen C3280616, MONDO:0013719, OMIM 614378.
Spermatogenic failure 72 (SPGF72). Identifiers: MedGen C5676980, MONDO:0030809, OMIM 619867.
Senior-Loken syndrome 8 (SLSN8). Identifiers: Orphanet 3156, MedGen C4225376, MONDO:0014579, OMIM 616307.

Allele frequency attached by ClinVar (database versions not stated): gnomAD exomes below 0.00001 and 0.00002; ExAC 0.00004; gnomAD 0.00005 and 0.00006; TOPMed 0.00006; 1000 Genomes Project 0.00040; 1000 Genomes Project 30x 0.00047.
gnomAD v4.1: 15 of 1,613,432 alleles (0.00093%); highest among the groups gnomAD compares: African/African-American, 0.017%; no homozygotes.

Submissions (2):

Labcorp Genetics (formerly Invitae), Labcorp
Classification: Uncertain significance for Senior-Loken syndrome 8; Asphyxiating thoracic dystrophy 5. Last evaluated: 2024-12-02. Review status: criteria provided, single submitter. Criteria: Invitae Variant Classification Sherloc (09022015). Collection method: clinical testing. Allele origin: germline.
Comment: This sequence change replaces aspartic acid, which is acidic and polar, with glutamic acid, which is acidic and polar, at codon 578 of the WDR19 protein (p.Asp578Glu). This variant is present in population databases (rs571678102, gnomAD 0.03%). This variant has not been reported in the literature in individuals affected with WDR19-related conditions. ClinVar contains an entry for this variant (Variation ID: 851650). Invitae Evidence Modeling of protein sequence and biophysical properties (such as structural, functional, and spatial information, amino acid conservation, physicochemical variation, residue mobility, and thermodynamic stability) indicates that this missense variant is not expected to disrupt WDR19 protein function with a negative predictive value of 80%. In summary, the available evidence is currently insufficient to determine the role of this variant in disease. Therefore, it has been classified as a Variant of Uncertain Significance.

Fulgent Genetics
Classification: Uncertain significance for Asphyxiating thoracic dystrophy 5; Nephronophthisis 13; Cranioectodermal dysplasia 4; Senior-Loken syndrome 8; Spermatogenic failure 72. Last evaluated: 2024-01-16. Review status: criteria provided, single submitter. Criteria: ACMG Guidelines, 2015. Collection method: clinical testing. Allele origin: germline.